The following is an entry in ClinVar:

ClinVar aggregate classification (germline): Uncertain significance (1 of 4 stars; one submission).

Allele frequency attached by ClinVar (database versions not stated): gnomAD exomes below 0.00001.
gnomAD v4.1: 1 of 1,613,890 alleles (0.000062%); highest among the groups gnomAD compares: Non-Finnish European, 0.000085%; no homozygotes.

Submission:

GeneDx
Classification: Uncertain significance. Last evaluated: 2021-01-14. Review status: criteria provided, single submitter. Criteria: GeneDx Variant Classification Process June 2021. Collection method: clinical testing. Allele origin: germline. Affected: yes.
Comment: Not observed in large population cohorts (Lek et al., 2016); In silico analysis supports that this missense variant does not alter protein structure/function; Has not been previously published as pathogenic or benign to our knowledge; In silico analysis, which includes splice predictors and evolutionary conservation, suggests this variant may impact gene splicing. In the absence of RNA/functional studies, the actual effect of this sequence change is unknown.

NM_001080476.3(GRXCR1):c.211G>A (p.Asp71Asn)

Gene: GRXCR1 (glutaredoxin and cysteine rich domain containing 1; plus strand). Cytogenetic location: 4p13.
Variant type: single nucleotide variant.
Coding change: c.211G>A on transcript NM_001080476.3 (MANE Select); coding-DNA position 211, G replaced by A.
Protein change: p.Asp71Asn; replaces aspartic acid 71 with asparagine.
Molecular consequence: missense variant.
Genome position (GRCh38, 1-based): chr4:42,893,477, G>A. VCF-style: chr4-42893477-G-A. GRCh37 (hg19) VCF-style: chr4-42895494-G-A.
Other names: short protein forms D71N.
Identifiers: ClinVar variation 1314001 (VCV001314001.2), dbSNP rs1746279756, ClinGen allele CA356791306.